The following is an entry in ClinVar:

ClinVar aggregate classification (germline): Pathogenic (1 of 4 stars; one submission).

Conditions:
Neuronal ceroid lipofuscinosis. Also called: Neuronal Ceroid Lipofuscinoses. Identifiers: Orphanet 216, Orphanet 79263, MedGen C0027877, MONDO:0016295. Disease mechanism: loss of function.

Submission:

Labcorp Genetics (formerly Invitae), Labcorp
Classification: Pathogenic for Neuronal ceroid lipofuscinosis. Last evaluated: 2023-11-02. Review status: criteria provided, single submitter. Criteria: Invitae Variant Classification Sherloc (09022015). Collection method: clinical testing. Allele origin: germline.
Comment: This sequence change creates a premature translational stop signal (p.Trp261*) in the CLN5 gene. While this is not anticipated to result in nonsense mediated decay, it is expected to disrupt the last 147 amino acid(s) of the CLN5 protein. This variant is not present in population databases (gnomAD no frequency). This variant has not been reported in the literature in individuals affected with CLN5-related conditions. This variant disrupts a region of the CLN5 protein in which other variant(s) (p.Tyr392*) have been determined to be pathogenic (PMID: 9662406, 11971870, 12134079). This suggests that this is a clinically significant region of the protein, and that variants that disrupt it are likely to be disease-causing. For these reasons, this variant has been classified as Pathogenic.

Literature cited by the submitters: PubMed 9662406; PubMed 11971870; PubMed 12134079.

NM_006493.4(CLN5):c.636G>A (p.Trp212Ter)

Gene: CLN5 (CLN5 lysosomal BMP synthase; plus strand). Cytogenetic location: 13q22.3.
Variant type: single nucleotide variant.
Coding change: c.636G>A on transcript NM_006493.4 (MANE Select); coding-DNA position 636, G replaced by A.
Protein change: p.Trp212Ter; replaces tryptophan 212 with a stop codon.
Molecular consequence: nonsense. On other transcripts: 3 prime UTR variant (1).
Genome position (GRCh38, 1-based): chr13:77,000,528, G>A. VCF-style: chr13-77000528-G-A. GRCh37 (hg19) VCF-style: chr13-77574663-G-A.
Other names: c.*85G>A (NM_001366624.2); short protein forms W212*, W261*.
Identifiers: ClinVar variation 2786254 (VCV002786254.3), dbSNP rs2501155018, ClinGen allele CA388311567.